The following is an entry in ClinVar:

ClinVar aggregate classification (germline): Uncertain significance (1 of 4 stars; one submission).

Conditions:
Brody myopathy. Also called: BRODY DISEASE. Identifiers: Orphanet 53347, MedGen C1832918, MONDO:0010977, OMIM 601003.

Allele frequency attached by ClinVar (database versions not stated): gnomAD 0.00001; gnomAD exomes 0.00001 and 0.00002; ExAC 0.00002; TOPMed 0.00002.
gnomAD v4.1: 19 of 1,611,216 alleles (0.0012%); highest among the groups gnomAD compares: East Asian, 0.0067%; no homozygotes.

Submission:

Labcorp Genetics (formerly Invitae), Labcorp
Classification: Uncertain significance for Brody myopathy. Last evaluated: 2019-11-11. Review status: criteria provided, single submitter. Criteria: Invitae Variant Classification Sherloc (09022015). Collection method: clinical testing. Allele origin: germline.
Comment: In summary, the available evidence is currently insufficient to determine the role of this variant in disease. Therefore, it has been classified as a Variant of Uncertain Significance. Algorithms developed to predict the effect of sequence changes on RNA splicing suggest that this variant may create or strengthen a splice site, but this prediction has not been confirmed by published transcriptional studies. Algorithms developed to predict the effect of missense changes on protein structure and function are either unavailable or do not agree on the potential impact of this missense change (SIFT: "Deleterious"; PolyPhen-2: "Possibly Damaging"; Align-GVGD: "Class C0"). This variant has not been reported in the literature in individuals with ATP2A1-related disease. This variant is present in population databases (rs767065944, ExAC 0.009%). This sequence change replaces arginine with glutamine at codon 325 of the ATP2A1 protein (p.Arg325Gln). The arginine residue is moderately conserved and there is a small physicochemical difference between arginine and glutamine.

NM_004320.6(ATP2A1):c.974G>A (p.Arg325Gln)

Gene: ATP2A1 (ATPase sarcoplasmic/endoplasmic reticulum Ca2+ transporting 1; plus strand). Cytogenetic location: 16p11.2.
Variant type: single nucleotide variant.
Coding change: c.974G>A on transcript NM_004320.6 (MANE Select); coding-DNA position 974, G replaced by A.
Protein change: p.Arg325Gln; replaces arginine 325 with glutamine.
Molecular consequence: missense variant.
Genome position (GRCh38, 1-based): chr16:28,888,832, G>A. VCF-style: chr16-28888832-G-A. GRCh37 (hg19) VCF-style: chr16-28900153-G-A.
Other names: c.599G>A, p.Arg200Gln (NM_001286075.2); c.974G>A, p.Arg325Gln (NM_173201.5); short protein forms R200Q, R325Q.
Identifiers: ClinVar variation 643663 (VCV000643663.9), dbSNP rs767065944, ClinGen allele CA7986810.